The following is an entry in ClinVar:

NM_000572.3(IL10):c.137A>G (p.Asp46Gly)

Genes: IL10 (interleukin 10; minus strand), IL19 (interleukin 19; plus strand), LOC128462409 (CRISPRi-FlowFISH-validated IL10 regulatory element GRCh37_chr1:206945468-206946089; plus strand). Cytogenetic location: 1q32.1.
Variant type: single nucleotide variant.
Coding change: c.137A>G on transcript NM_000572.3 (MANE Select); coding-DNA position 137, A replaced by G.
Protein change: p.Asp46Gly; replaces aspartic acid 46 with glycine.
Molecular consequence: missense variant. On other transcripts: non-coding transcript variant (1), intron variant (2).
Genome position (GRCh38, 1-based): chr1:206,772,299, T>C on the plus strand (A>G on the coding strand, the complement: IL10 is on the minus strand). VCF-style: chr1-206772299-T-C. GRCh37 (hg19) VCF-style: chr1-206945644-T-C.
Other names: c.-149+1221T>C (NM_153758.5); c.-149+1469T>C (NM_001393490.1); short protein forms D46G.
Identifiers: ClinVar variation 2100551 (VCV002100551.4), dbSNP rs769965755, ClinGen allele CA1363834.
Genomic context (GRCh38, chr1:206,772,299, plus strand): 5'-AGAGAGAAAGGACAGGAAGGAATCATACTCACAAAGAAAGTCTTCACTCTGCTGAAGGCA[T>C]CTCGGAGATCTCGAAGCATGTTAGGCAGGTTGCCTGGGAAGTGGGTGCAGCTGTTCTCAG-3'
Protein context (NP_000563.1, residues 36-56): NLPNMLRDLR[Asp46Gly]AFSRVKTFFQ

ClinVar aggregate classification (germline): Uncertain significance (1 of 4 stars; one submission).

Conditions:
Inflammatory bowel disease. Identifiers: Orphanet 104012, MedGen C0021390, MONDO:0005265.

Allele frequency attached by ClinVar (database versions not stated): ExAC 0.00001; gnomAD exomes 0.00001.
gnomAD v4.1: 3 of 1,614,182 alleles (0.00019%); highest among the groups gnomAD compares: Non-Finnish European, 0.00025%; no homozygotes.

Submission:

Labcorp Genetics (formerly Invitae), Labcorp
Classification: Uncertain significance for Inflammatory bowel disease. Last evaluated: 2022-04-22. Review status: criteria provided, single submitter. Criteria: Invitae Variant Classification Sherloc (09022015). Collection method: clinical testing. Allele origin: germline.
Comment: This variant has not been reported in the literature in individuals affected with IL10-related conditions. Algorithms developed to predict the effect of missense changes on protein structure and function (SIFT, PolyPhen-2, Align-GVGD) all suggest that this variant is likely to be tolerated. In summary, the available evidence is currently insufficient to determine the role of this variant in disease. Therefore, it has been classified as a Variant of Uncertain Significance. This variant is present in population databases (rs769965755, gnomAD 0.0009%). This sequence change replaces aspartic acid, which is acidic and polar, with glycine, which is neutral and non-polar, at codon 46 of the IL10 protein (p.Asp46Gly).